The following is an entry in ClinVar:

NM_024334.3(TMEM43):c.1058T>A (p.Phe353Tyr)

Gene: TMEM43 (transmembrane protein 43; plus strand). Cytogenetic location: 3p25.1.
Variant type: single nucleotide variant.
Coding change: c.1058T>A on transcript NM_024334.3 (MANE Select); coding-DNA position 1058, T replaced by A.
Protein change: p.Phe353Tyr; replaces phenylalanine 353 with tyrosine.
Molecular consequence: missense variant.
Genome position (GRCh38, 1-based): chr3:14,141,650, T>A. VCF-style: chr3-14141650-T-A. GRCh37 (hg19) VCF-style: chr3-14183150-T-A.
Other names: c.1061T>A, p.Phe354Tyr (NM_001407274.1); c.1055T>A, p.Phe352Tyr (NM_001407275.1, NM_001407276.1); c.1052T>A, p.Phe351Tyr (NM_001407277.1); c.1043T>A, p.Phe348Tyr (NM_001407278.1); c.983T>A, p.Phe328Tyr (NM_001407279.1); c.908T>A, p.Phe303Tyr (NM_001407280.1); short protein forms F303Y, F328Y, F348Y, F351Y, F352Y, F353Y, F354Y.
Identifiers: ClinVar variation 3627249 (VCV003627249.2).

ClinVar aggregate classification (germline): Uncertain significance (1 of 4 stars; one submission).

Conditions:
Arrhythmogenic right ventricular dysplasia 5. Also called: Arrhythmogenic Right Ventricular Dysplasia/Cardiomyopathy 5; ARRHYTHMOGENIC RIGHT VENTRICULAR DYSPLASIA, FAMILIAL, 5. Identifiers: MedGen C1858379, MONDO:0011459, OMIM 604400.

Submission:

Labcorp Genetics (formerly Invitae), Labcorp
Classification: Uncertain significance for Arrhythmogenic right ventricular dysplasia 5. Last evaluated: 2025-01-22. Review status: criteria provided, single submitter. Criteria: Invitae Variant Classification Sherloc (09022015). Collection method: clinical testing. Allele origin: germline.
Comment: This sequence change replaces phenylalanine, which is neutral and non-polar, with tyrosine, which is neutral and polar, at codon 353 of the TMEM43 protein (p.Phe353Tyr). This variant is not present in population databases (gnomAD no frequency). This variant has not been reported in the literature in individuals affected with TMEM43-related conditions. Invitae Evidence Modeling of protein sequence and biophysical properties (such as structural, functional, and spatial information, amino acid conservation, physicochemical variation, residue mobility, and thermodynamic stability) indicates that this missense variant is not expected to disrupt TMEM43 protein function with a negative predictive value of 80%. In summary, the available evidence is currently insufficient to determine the role of this variant in disease. Therefore, it has been classified as a Variant of Uncertain Significance.